The following is an entry in ClinVar:

ClinVar aggregate classification (germline): Uncertain significance (1 of 4 stars; one submission).

gnomAD v4.1: 1 of 1,614,072 alleles (0.000062%); highest among the groups gnomAD compares: Non-Finnish European, 0.000085%; no homozygotes.

Submission:

Labcorp Genetics (formerly Invitae), Labcorp
Classification: Uncertain significance. Last evaluated: 2025-03-26. Review status: criteria provided, single submitter. Criteria: Invitae Variant Classification Sherloc (09022015). Collection method: clinical testing. Allele origin: germline.
Comment: This sequence change replaces lysine, which is basic and polar, with glutamic acid, which is acidic and polar, at codon 289 of the IL23R protein (p.Lys289Glu). This variant is not present in population databases (gnomAD no frequency). This variant has not been reported in the literature in individuals affected with IL23R-related conditions. An algorithm developed to predict the effect of missense changes on protein structure and function outputs the following: PolyPhen-2: "Benign". The glutamic acid amino acid residue is found in multiple mammalian species, which suggests that this missense change does not adversely affect protein function. In summary, the available evidence is currently insufficient to determine the role of this variant in disease. Therefore, it has been classified as a Variant of Uncertain Significance.

NM_144701.3(IL23R):c.865A>G (p.Lys289Glu)

Gene: IL23R (interleukin 23 receptor; plus strand). Cytogenetic location: 1p31.3.
Variant type: single nucleotide variant.
Coding change: c.865A>G on transcript NM_144701.3 (MANE Select); coding-DNA position 865, A replaced by G.
Protein change: p.Lys289Glu; replaces lysine 289 with glutamic acid.
Molecular consequence: missense variant.
Genome position (GRCh38, 1-based): chr1:67,219,640, A>G. VCF-style: chr1-67219640-A-G. GRCh37 (hg19) VCF-style: chr1-67685323-A-G.
Other names: short protein forms K289E.
Identifiers: ClinVar variation 4808206 (VCV004808206.1).
Genomic context (GRCh38, chr1:67,219,640, plus strand): 5'-GAATTTGACACCAATTTTACATATGTGCAACAGTCAGAATTCTACTTGGAGCCAAACATT[A>G]AGTACGTATTTCAAGTGAGATGTCAAGAAACAGGCAAAAGGTACTGGCAGCCTTGGAGTT-3'
Protein context (NP_653302.2, residues 279-299): QSEFYLEPNI[Lys289Glu]YVFQVRCQET